The following is an entry in ClinVar:

ClinVar aggregate classification (germline): Likely benign. Review status: criteria provided, multiple submitters, no conflicts (2 of 4 stars). 3 submissions from 3 submitters: Likely benign (3). Last evaluated 2025-11-10.

Conditions:
Cardiovascular phenotype. Identifiers: MedGen CN230736.
ZNF469-related disorder. Also called: ZNF469-related condition.

Allele frequency attached by ClinVar (database versions not stated): gnomAD 0.00001; gnomAD exomes 0.00001; TOPMed 0.00002.
gnomAD v4.1: 11 of 1,546,712 alleles (0.00071%); highest among the groups gnomAD compares: East Asian, 0.0073%; no homozygotes.

Submissions (3):

Labcorp Genetics (formerly Invitae), Labcorp
Classification: Likely benign. Last evaluated: 2025-11-10. Review status: criteria provided, single submitter. Criteria: Invitae Variant Classification Sherloc (09022015). Collection method: clinical testing. Allele origin: germline.

PreventionGenetics, part of Exact Sciences
Classification: Likely benign for ZNF469-related condition. Last evaluated: 2025-01-29. Review status: criteria provided, single submitter. Criteria: ACMG Guidelines, 2015. Collection method: clinical testing. Allele origin: germline.
Comment: This variant is classified as likely benign based on ACMG/AMP sequence variant interpretation guidelines (Richards et al. 2015 PMID: 25741868, with internal and published modifications).

Ambry Genetics
Classification: Likely benign for Cardiovascular phenotype. Last evaluated: 2020-08-04. Review status: criteria provided, single submitter. Criteria: Ambry Variant Classification Scheme 2023. Collection method: clinical testing. Allele origin: germline.

NM_001367624.2(ZNF469):c.1470C>T (p.Thr490=)

Gene: ZNF469 (zinc finger protein 469; plus strand). Cytogenetic location: 16q24.2.
Variant type: single nucleotide variant.
Coding change: c.1470C>T on transcript NM_001367624.2 (MANE Select); coding-DNA position 1470, C replaced by T.
Protein change: p.Thr490=; no amino-acid change (threonine 490 retained).
Molecular consequence: synonymous variant.
Genome position (GRCh38, 1-based): chr16:88,428,940, C>T. VCF-style: chr16-88428940-C-T. GRCh37 (hg19) VCF-style: chr16-88495348-C-T.
Other names: NM_001127464.1:c.1470C>T; NM_001127464.2:c.1470C>T.
Identifiers: ClinVar variation 1773348 (VCV001773348.8), dbSNP rs1326898735, ClinGen allele CA497352797.